The following is an entry in ClinVar:

NM_206933.4(USH2A):c.13484G>T (p.Arg4495Leu)

Gene: USH2A (usherin; minus strand). Cytogenetic location: 1q41.
Variant type: single nucleotide variant.
Coding change: c.13484G>T on transcript NM_206933.4 (MANE Select); coding-DNA position 13484, G replaced by T.
Protein change: p.Arg4495Leu; replaces arginine 4495 with leucine.
Molecular consequence: missense variant.
Genome position (GRCh38, 1-based): chr1:215,674,427, C>A on the plus strand (G>T on the coding strand, the complement: USH2A is on the minus strand). VCF-style: chr1-215674427-C-A. GRCh37 (hg19) VCF-style: chr1-215847769-C-A.
Other names: short protein forms R4495L.
Identifiers: ClinVar variation 4538116 (VCV004538116.2).
Genomic context (GRCh38, chr1:215,674,427, plus strand): 5'-TGGCTGTTGCTGGCAGTTACTGTGTAGCTATACTCCACACCTGGGGTGAGAGTAAAATCA[C>A]GATAGCGTGTTTCCAAGCCTGTATATACAATGGTTCCATCCCTCCTAAGTTCATAACTTC-3'
Protein context (NP_996816.3, residues 4485-4505): IVYTGLETRY[Arg4495Leu]DFTLTPGVEY

ClinVar aggregate classification (germline): Uncertain significance (1 of 4 stars; one submission).

gnomAD v4.1: 10 of 1,614,092 alleles (0.00062%); highest among the groups gnomAD compares: Non-Finnish European, 0.00076%; no homozygotes.

Submission:

GeneDx
Classification: Uncertain significance. Last evaluated: 2026-08-25. Review status: criteria provided, single submitter. Criteria: GeneDx Variant Classification Process June 2021. Collection method: clinical testing. Allele origin: germline.
Comment: Not observed at significant frequency in large population cohorts (gnomAD); In silico analysis suggests that this missense variant does not alter protein structure/function; Has not been previously published as pathogenic or benign to our knowledge